The following is an entry in ClinVar:

NM_012200.4(B3GAT3):c.704G>A (p.Arg235Gln)

Gene: B3GAT3 (beta-1,3-glucuronyltransferase 3; minus strand). Cytogenetic location: 11q12.3.
Variant type: single nucleotide variant.
Coding change: c.704G>A on transcript NM_012200.4 (MANE Select); coding-DNA position 704, G replaced by A.
Protein change: p.Arg235Gln; replaces arginine 235 with glutamine.
Molecular consequence: missense variant. On other transcripts: non-coding transcript variant (1).
Genome position (GRCh38, 1-based): chr11:62,616,711, C>T on the plus strand (G>A on the coding strand, the complement: B3GAT3 is on the minus strand). VCF-style: chr11-62616711-C-T. GRCh37 (hg19) VCF-style: chr11-62384183-C-T.
Other names: c.683G>A, p.Arg228Gln (NM_001288721.2); c.704G>A, p.Arg235Gln (NM_001288722.2, NM_001288723.2); short protein forms R228Q, R235Q.
Identifiers: ClinVar variation 854700 (VCV000854700.8), dbSNP rs758179182, ClinGen allele CA6050022.

ClinVar aggregate classification (germline): Uncertain significance. Review status: criteria provided, multiple submitters, no conflicts (2 of 4 stars). 2 submissions from 2 submitters: Uncertain significance (2). Last evaluated 2025-01-14.

Conditions:
Inborn genetic diseases. Identifiers: MedGen C0950123, MeSH D030342.
Larsen-like syndrome, B3GAT3 type. Also called: Multiple joint dislocations, short stature, craniofacial dysmorphism, with or without congenital heart defects; MULTIPLE JOINT DISLOCATIONS, SHORT STATURE, AND CRANIOFACIAL DYSMORPHISM WITH OR WITHOUT CONGENITAL HEART DEFECTS. Identifiers: Orphanet 284139, MedGen CN034159, MONDO:0009511, OMIM 245600.

Allele frequency attached by ClinVar (database versions not stated): gnomAD exomes 0.00005 and 0.00002; gnomAD 0.00001 and 0.00002; TOPMed 0.00002; ExAC 0.00005.
gnomAD v4.1: 31 of 1,613,990 alleles (0.0019%); highest among the groups gnomAD compares: Admixed American, 0.005%; no homozygotes.

Submissions (2):

Ambry Genetics
Classification: Uncertain significance for Inborn genetic diseases. Last evaluated: 2025-01-14. Review status: criteria provided, single submitter. Criteria: Ambry Variant Classification Scheme 2023. Collection method: clinical testing. Allele origin: germline.

Labcorp Genetics (formerly Invitae), Labcorp
Classification: Uncertain significance for Larsen-like syndrome, B3GAT3 type. Last evaluated: 2021-09-01. Review status: criteria provided, single submitter. Criteria: Invitae Variant Classification Sherloc (09022015). Collection method: clinical testing. Allele origin: germline.
Comment: This sequence change replaces arginine with glutamine at codon 235 of the B3GAT3 protein (p.Arg235Gln). The arginine residue is weakly conserved and there is a small physicochemical difference between arginine and glutamine. This variant is present in population databases (rs758179182, ExAC 0.01%). This variant has not been reported in the literature in individuals affected with B3GAT3-related conditions. Algorithms developed to predict the effect of missense changes on protein structure and function output the following: SIFT: "Tolerated"; PolyPhen-2: "Benign"; Align-GVGD: "Class C0". The glutamine amino acid residue is found in multiple mammalian species, which suggests that this missense change does not adversely affect protein function. In summary, the available evidence is currently insufficient to determine the role of this variant in disease. Therefore, it has been classified as a Variant of Uncertain Significance.